The following is an entry in ClinVar:

NM_001042492.3(NF1):c.7838dup (p.Lys2614fs)

Gene: NF1 (neurofibromin 1; plus strand). Cytogenetic location: 17q11.2.
Variant type: Duplication.
Coding change: c.7838dup on transcript NM_001042492.3 (MANE Select); coding-DNA position 7838, one base duplicated (C; older notation c.7838dupC).
Protein change: p.Lys2614fs; shifts the reading frame from lysine 2614.
Molecular consequence: frameshift variant.
Genome position (GRCh38, 1-based): chr17:31,357,059, C duplicated; the last of 2 consecutive C bases (chr17:31,357,058-31,357,059); duplicating either gives the same sequence. VCF-style (leftmost placement, unchanged base first): chr17-31357057-T-TC. GRCh37 (hg19) VCF-style: chr17-29684075-T-TC.
Other names: c.7775dupC (NM_000267.3); c.7775dup, p.Lys2593Glufs (NM_000267.4); short protein forms K2593fs, K2614fs.
Identifiers: ClinVar variation 429012 (VCV000429012.5), dbSNP rs1131691129, ClinGen allele CA645369729.

ClinVar aggregate classification (germline): Pathogenic. Review status: criteria provided, single submitter (1 of 4 stars). 2 submissions from 2 submitters: Pathogenic (1). 1 of the submissions does not count toward it. Last evaluated 2016-11-02.

Conditions:
Hereditary cancer-predisposing syndrome. Also called: Hereditary neoplastic syndrome; Tumor predisposition; Neoplastic Syndromes, Hereditary; Hereditary Cancer Syndrome. Identifiers: Orphanet 140162, MedGen C0027672, MeSH D009386, MONDO:0015356.
Cardiovascular phenotype. Identifiers: MedGen CN230736.
Neurofibromatosis, type 1 (NF1). Also called: Neurofibromatosis, type I; NEUROFIBROMATOSIS, TYPE I, SOMATIC; Peripheral type neurofibromatosis; VON RECKLINGHAUSEN DISEASE. Identifiers: Orphanet 636, MedGen C0027831, MONDO:0018975, OMIM 162200. Disease mechanism: loss of function.

Submissions (2):

Ambry Genetics
Classification: Pathogenic for Cardiovascular phenotype; Hereditary cancer-predisposing syndrome. Last evaluated: 2016-11-02. Review status: criteria provided, single submitter. Criteria: Ambry Variant Classification Scheme 2023. Collection method: clinical testing. Allele origin: germline.
Comment: The c.7775dupC pathogenic mutation, located in coding exon 52 of the NF1 gene, results from a duplication of C at nucleotide position 7775, causing a translational frameshift with a predicted alternate stop codon (p.K2593Efs*20). This mutation has been reported in one individual with a clinical diagnosis of neurofibromatosis type 1 (Pasmant E et al. Eur. J. Hum. Genet., 2015 May;23:596-601). In addition to the clinical data presented in the literature, this alteration is expected to result in loss of function by premature protein truncation or nonsense-mediated mRNA decay. As such, this alteration is interpreted as a disease-causing mutation.

Medical Genetics, University of Parma
Classification: Likely pathogenic for Neurofibromatosis type 1. Last evaluated: 2017-02-02. Review status: no assertion criteria provided. Collection method: clinical testing. Allele origin: germline. Affected: yes. Not counted in ClinVar's aggregate classification.